The following is an entry in ClinVar:

ClinVar aggregate classification (germline): Pathogenic (1 of 4 stars; one submission).

gnomAD v4.1: 21 of 1,613,868 alleles (0.0013%); highest among the groups gnomAD compares: Non-Finnish European, 0.0018%; no homozygotes.

Submission:

Labcorp Genetics (formerly Invitae), Labcorp
Classification: Pathogenic. Last evaluated: 2024-08-02. Review status: criteria provided, single submitter. Criteria: Invitae Variant Classification Sherloc (09022015). Collection method: clinical testing. Allele origin: germline.
Comment: This sequence change creates a premature translational stop signal (p.Gln36*) in the IL11RA gene. It is expected to result in an absent or disrupted protein product. Loss-of-function variants in IL11RA are known to be pathogenic (PMID: 21741611, 24498618). This variant is present in population databases (rs201295842, gnomAD 0.0009%). This variant has not been reported in the literature in individuals affected with IL11RA-related conditions. Algorithms developed to predict the effect of sequence changes on RNA splicing suggest that this variant may disrupt the consensus splice site. For these reasons, this variant has been classified as Pathogenic.

Literature cited by the submitters: PubMed 21741611; PubMed 24498618.

NM_001142784.3(IL11RA):c.106C>T (p.Gln36Ter)

Gene: IL11RA (interleukin 11 receptor subunit alpha; plus strand). Cytogenetic location: 9p13.3.
Variant type: single nucleotide variant.
Coding change: c.106C>T on transcript NM_001142784.3 (MANE Select); coding-DNA position 106, C replaced by T.
Protein change: p.Gln36Ter; replaces glutamine 36 with a stop codon.
Molecular consequence: nonsense. On other transcripts: non-coding transcript variant (1).
Genome position (GRCh38, 1-based): chr9:34,655,610, C>T. VCF-style: chr9-34655610-C-T. GRCh37 (hg19) VCF-style: chr9-34655607-C-T.
Other names: short protein forms Q36*.
Identifiers: ClinVar variation 3628326 (VCV003628326.2).